The following is an entry in ClinVar:

ClinVar aggregate classification (germline): Uncertain significance (1 of 4 stars; one submission).

Conditions:
Inborn genetic diseases. Identifiers: MedGen C0950123, MeSH D030342.

Submission:

Ambry Genetics
Classification: Uncertain significance for Inborn genetic diseases. Last evaluated: 2025-09-26. Review status: criteria provided, single submitter. Criteria: Ambry Variant Classification Scheme 2023. Collection method: clinical testing. Allele origin: germline.
Comment: The p.C399W variant (also known as c.1197T>G), located in coding exon 10 of the CEP57 gene, results from a T to G substitution at nucleotide position 1197. The cysteine at codon 399 is replaced by tryptophan, an amino acid with highly dissimilar properties. This amino acid position is conserved. In addition, this alteration is predicted to be tolerated by in silico analysis. Based on the available evidence, the clinical significance of this variant remains unclear.

NM_014679.5(CEP57):c.1197T>G (p.Cys399Trp)

Gene: CEP57 (centrosomal protein 57; plus strand). Cytogenetic location: 11q21.
Variant type: single nucleotide variant.
Coding change: c.1197T>G on transcript NM_014679.5 (MANE Select); coding-DNA position 1197, T replaced by G.
Protein change: p.Cys399Trp; replaces cysteine 399 with tryptophan.
Molecular consequence: missense variant.
Genome position (GRCh38, 1-based): chr11:95,829,256, T>G. VCF-style: chr11-95829256-T-G. GRCh37 (hg19) VCF-style: chr11-95562420-T-G.
Other names: c.1116T>G, p.Cys372Trp (NM_001363604.2, NM_001440869.1, NM_001440870.1); c.1089T>G, p.Cys363Trp (NM_001440871.1); c.1080T>G, p.Cys360Trp (NM_001440872.1); c.1017T>G, p.Cys339Trp (NM_001440873.1); c.1011T>G, p.Cys337Trp (NM_001440874.1); c.1008T>G, p.Cys336Trp (NM_001440875.1); c.1002T>G, p.Cys334Trp (NM_001440876.1); c.999T>G, p.Cys333Trp (NM_001440877.1, NM_001440878.1); and 6 more; short protein forms C300W, C324W, C336W, C337W, C372W, C373W, C298W, C312W.
Identifiers: ClinVar variation 4613476 (VCV004613476.1).
Genomic context (GRCh38, chr11:95,829,256, plus strand): 5'-GCAGCTTGCAAAACTTATCCAGGAGTCGCCAACCGTTGAACTGAAAGACAAGTTGGAGTG[T>G]GAATTGGAGGCATTAGTGGGAAGGATGGAAGCAAAAGCCAACCAAATAACTAAAGTTCGA-3'
Protein context (NP_055494.2, residues 389-409): PTVELKDKLE[Cys399Trp]ELEALVGRME